The following is an entry in ClinVar:

ClinVar aggregate classification (germline): Pathogenic. Review status: criteria provided, multiple submitters, no conflicts (2 of 4 stars). 6 submissions from 6 submitters: Pathogenic (5). 1 of the submissions does not count toward it. Last evaluated 2026-01-28.

Conditions:
Nemaline myopathy 2 (NEM2). Also called: Nemaline myopathy 2, autosomal recessive. Identifiers: MedGen C1850569, MONDO:0009725, OMIM 256030.
Arthrogryposis multiplex congenita 6. Identifiers: MedGen C5543431, MONDO:0030281, OMIM 619334.
NEB-related disorder. Also called: NEB-Related Disorders; NEB-related condition.
Nemaline myopathy. Also called: Myopathies, Nemaline. Identifiers: Orphanet 607, MedGen C0206157, MONDO:0018958.

Allele frequency attached by ClinVar (database versions not stated): gnomAD exomes below 0.00001; gnomAD 0.00001; TOPMed 0.00001.
gnomAD v4.1: 4 of 1,613,584 alleles (0.00025%); highest among the groups gnomAD compares: South Asian, 0.0022%; no homozygotes.

Submissions (6):

Labcorp Genetics (formerly Invitae), Labcorp
Classification: Pathogenic for Nemaline myopathy 2. Last evaluated: 2026-01-28. Review status: criteria provided, single submitter. Criteria: Invitae Variant Classification Sherloc (09022015). Collection method: clinical testing. Allele origin: germline.
Comment: This sequence change creates a premature translational stop signal (p.Gln6226*) in the NEB gene. It is expected to result in an absent or disrupted protein product. Loss-of-function variants in NEB are known to be pathogenic (PMID: 25205138). This variant is not present in population databases (gnomAD no frequency). This premature translational stop signal has been observed in individuals with nemaline myopathy (PMID: 16917880, 24725366, 30369353). This variant is also known as p.Gln4525X. ClinVar contains an entry for this variant (Variation ID: 557505). For these reasons, this variant has been classified as Pathogenic.

Natera, Inc.
Classification: Pathogenic for Nemaline myopathy type 2. Last evaluated: 2025-02-14. Review status: criteria provided, single submitter. Criteria: Natera Variant Classification Schema (03/2026). Collection method: clinical testing. Allele origin: germline.
Comment: The c.18676C>T variant in NEB is a nonsense variant predicted to introduce a stop codon at amino acid 6226. This variant is expected to result in nonsense mediated decay, truncation, or a dysfunctional protein product. This variant is rare in the general population with a frequency below the threshold expected for the associated phenotype(s). This variant has been observed in one or more individuals affected with the associated recessive disease, as either homozygous or compound heterozygous with a second variant (PMID: 24725366). Given the available evidence, this variant is classified as Pathogenic.

Women's Health and Genetics/Laboratory Corporation of America, LabCorp
Classification: Pathogenic for Nemaline myopathy. Last evaluated: 2023-03-17. Review status: criteria provided, single submitter. Criteria: LabCorp Variant Classification Summary - May 2015. Collection method: clinical testing. Allele origin: germline.
Comment: Variant summary: NEB c.18676C>T (p.Gln6226X) results in a premature termination codon, predicted to cause a truncation of the encoded protein or absence of the protein due to nonsense mediated decay, which are commonly known mechanisms for disease. Truncations downstream of this position have been classified as pathogenic in ClinVar. The variant was absent in 249086 control chromosomes (gnomAD). c.18676C>T has been reported in the literature in individuals affected with Nemaline Myopathy (example: Lehtokari_2006, Malfatti_2014, Ganapathi_2019). Three clinical diagnostic laboratories have submitted clinical-significance assessments for this variant to ClinVar after 2014 and all classified the variant as pathogenic. Based on the evidence outlined above, the variant was classified as pathogenic.

Fulgent Genetics
Classification: Pathogenic for Nemaline myopathy 2; Arthrogryposis multiplex congenita 6. Last evaluated: 2021-09-17. Review status: criteria provided, single submitter. Criteria: ACMG Guidelines, 2015. Collection method: clinical testing. Allele origin: unknown.

Blueprint Genetics
Classification: Pathogenic for NEB-related disorders. Last evaluated: 2021-03-03. Review status: criteria provided, single submitter. Criteria: ACMG Guidelines, 2015. Collection method: clinical testing. Allele origin: germline. Affected: yes. Observed: 2 variant alleles.

Counsyl
Classification: Pathogenic for Nemaline myopathy 2. Last evaluated: 2018-03-27. Review status: no assertion criteria provided. Collection method: clinical testing. Allele origin: unknown. Not counted in ClinVar's aggregate classification.

Literature cited by the submitters: PubMed 25205138 (cited by 3 submitters); PubMed 16917880 (cited by Labcorp Genetics (formerly Invitae), Labcorp); PubMed 24725366 (cited by 3 submitters); PubMed 30369353 (cited by Labcorp Genetics (formerly Invitae), Labcorp); PubMed 31069529 (cited by Women's Health and Genetics/Laboratory Corporation of America, LabCorp); PubMed 25525159 (cited by Counsyl).

NM_001164508.2(NEB):c.18676C>T (p.Gln6226Ter)

Gene: NEB (nebulin; minus strand). Cytogenetic location: 2q23.3.
Variant type: single nucleotide variant.
Coding change: c.18676C>T on transcript NM_001164508.2 (MANE Select); coding-DNA position 18676, C replaced by T.
Protein change: p.Gln6226Ter; replaces glutamine 6226 with a stop codon.
Molecular consequence: nonsense.
Genome position (GRCh38, 1-based): chr2:151,563,623, G>A on the plus strand (C>T on the coding strand, the complement: NEB is on the minus strand). VCF-style: chr2-151563623-G-A. GRCh37 (hg19) VCF-style: chr2-152420137-G-A.
Other names: c.18676C>T, p.Gln6226Ter (NM_001164507.2, NM_001271208.2); c.13573C>T, p.Gln4525Ter (NM_004543.5); short protein forms Q6226*, Q4525*.
Identifiers: ClinVar variation 557505 (VCV000557505.14), dbSNP rs1475648900, ClinGen allele CA348798689.